The following is an entry in ClinVar:

ClinVar aggregate classification (germline): Likely pathogenic (1 of 4 stars; one submission).

Conditions:
Arrhythmogenic right ventricular dysplasia 9 (ARVD9). Also called: Arrhythmogenic Right Ventricular Dysplasia/Cardiomyopathy 9; ARRHYTHMOGENIC RIGHT VENTRICULAR DYSPLASIA, FAMILIAL, 9. Identifiers: MedGen C1836906, MONDO:0012180, OMIM 609040.

Submission:

Labcorp Genetics (formerly Invitae), Labcorp
Classification: Likely pathogenic for Arrhythmogenic right ventricular dysplasia 9. Last evaluated: 2022-10-18. Review status: criteria provided, single submitter. Criteria: Invitae Variant Classification Sherloc (09022015). Collection method: clinical testing. Allele origin: germline.
Comment: This variant is a gross deletion of the genomic region encompassing exon(s) 12 of the PKP2 gene. While this deletion is not anticipated to lead to nonsense mediated decay, it is expected to disrupt the C-terminus of the protein. This variant has not been reported in the literature in individuals affected with PKP2-related conditions. This variant disrupts the p.Cys796 amino acid residue in PKP2. Other variant(s) that disrupt this residue have been determined to be pathogenic (PMID: 21636032, 22781308, 23863954, 23871674). This suggests that this residue is clinically significant, and that variants that disrupt this residue are likely to be disease-causing. In summary, the currently available evidence indicates that the variant is pathogenic, but additional data are needed to prove that conclusively. Therefore, this variant has been classified as Likely Pathogenic.

Literature cited by the submitters: PubMed 21636032; PubMed 22781308; PubMed 23863954; PubMed 23871674.

NC_000012.11:g.(?_32949023)_(32949252_?)del

Gene: PKP2 (plakophilin 2; minus strand). Cytogenetic location: 12p11.21.
Variant type: Deletion.
Identifiers: ClinVar variation 2425171 (VCV002425171.3).